The following is an entry in ClinVar:

ClinVar aggregate classification (germline): Uncertain significance (1 of 4 stars; one submission).

gnomAD v4.1: 2 of 1,614,076 alleles (0.00012%); highest among the groups gnomAD compares: South Asian, 0.0022%; no homozygotes.

Submission:

Labcorp Genetics (formerly Invitae), Labcorp
Classification: Uncertain significance. Last evaluated: 2025-10-09. Review status: criteria provided, single submitter. Criteria: Invitae Variant Classification Sherloc (09022015). Collection method: clinical testing. Allele origin: germline.
Comment: This sequence change replaces proline, which is neutral and non-polar, with leucine, which is neutral and non-polar, at codon 1848 of the MACF1 protein (p.Pro1848Leu). This variant is present in population databases (rs746832796, gnomAD 0.006%). This variant has not been reported in the literature in individuals affected with MACF1-related conditions. An algorithm developed to predict the effect of missense changes on protein structure and function (PolyPhen-2) suggests that this variant is likely to be tolerated. In summary, the available evidence is currently insufficient to determine the role of this variant in disease. Therefore, it has been classified as a Variant of Uncertain Significance.

NM_001394062.1(MACF1):c.11729C>T (p.Pro3910Leu)

Gene: MACF1 (microtubule actin crosslinking factor 1; plus strand). Cytogenetic location: 1p34.3.
Variant type: single nucleotide variant.
Coding change: c.11729C>T on transcript NM_001394062.1 (MANE Select); coding-DNA position 11729, C replaced by T.
Protein change: p.Pro3910Leu; replaces proline 3910 with leucine.
Molecular consequence: missense variant.
Genome position (GRCh38, 1-based): chr1:39,357,679, C>T. VCF-style: chr1-39357679-C-T. GRCh37 (hg19) VCF-style: chr1-39823351-C-T.
Other names: c.5543C>T, p.Pro1848Leu (NM_012090.5); short protein forms P1848L, P3910L.
Identifiers: ClinVar variation 4773378 (VCV004773378.1).